The following is an entry in ClinVar:

NM_001099922.3(ALG13):c.1895C>T (p.Thr632Ile)

Gene: ALG13 (ALG13 UDP-N-acetylglucosaminyltransferase subunit; plus strand). Cytogenetic location: Xq23.
Variant type: single nucleotide variant.
Coding change: c.1895C>T on transcript NM_001099922.3 (MANE Select); coding-DNA position 1895, C replaced by T.
Protein change: p.Thr632Ile; replaces threonine 632 with isoleucine.
Molecular consequence: missense variant. On other transcripts: non-coding transcript variant (1).
Genome position (GRCh38, 1-based): chrX:111,726,974, C>T. VCF-style: chrX-111726974-C-T. GRCh37 (hg19) VCF-style: chrX-110970202-C-T.
Other names: c.1661C>T, p.Thr554Ile (NM_001257231.2); c.1583C>T, p.Thr528Ile (NM_001257234.2, NM_001257237.2, NM_001257230.2); c.1895C>T, p.Thr632Ile (NM_001324292.2); c.1409C>T, p.Thr470Ile (NM_001324293.1); short protein forms T470I, T528I, T554I, T632I.
Identifiers: ClinVar variation 4072678 (VCV004072678.2).

ClinVar aggregate classification (germline): Uncertain significance (1 of 4 stars; one submission).

Submission:

GeneDx
Classification: Uncertain significance. Last evaluated: 2026-09-11. Review status: criteria provided, single submitter. Criteria: GeneDx Variant Classification Process June 2021. Collection method: clinical testing. Allele origin: germline.
Comment: Not observed at significant frequency in large population cohorts (gnomAD); In silico analysis supports that this missense variant has a deleterious effect on protein structure/function; Has not been previously published as pathogenic or benign to our knowledge